The following is an entry in ClinVar:

NM_012275.3(IL36RN):c.*1881G>T

Gene: IL36RN (interleukin 36 receptor antagonist; plus strand). Cytogenetic location: 2q14.1.
Variant type: single nucleotide variant.
Coding change: c.*1881G>T on transcript NM_012275.3 (MANE Select); 1881 bases downstream of the stop codon, G replaced by T.
Molecular consequence: 3 prime UTR variant.
Genome position (GRCh38, 1-based): chr2:113,064,558, G>T. VCF-style: chr2-113064558-G-T. GRCh37 (hg19) VCF-style: chr2-113822135-G-T.
Other names: c.*1881G>T (NM_173170.1).
Identifiers: ClinVar variation 330811 (VCV000330811.6), dbSNP rs996878, ClinGen allele CA10610609.

ClinVar aggregate classification (germline): Benign. Review status: criteria provided, multiple submitters, no conflicts (2 of 4 stars). 2 submissions from 2 submitters: Benign (2). Last evaluated 2018-01-12.

Conditions:
Generalized pustular psoriasis. Identifiers: Orphanet 247353, MedGen C0343055, MONDO:0100491.

Allele frequency attached by ClinVar (database versions not stated): gnomAD exomes 0.08333; gnomAD 0.15858; 1000 Genomes Project 0.16134; 1000 Genomes Project 30x 0.16880; TOPMed 0.17821.
gnomAD v4.1: 25,242 of 152,112 alleles (17%); highest among the groups gnomAD compares: African/African-American, 31%; 2,800 homozygotes.

Submissions (2):

Illumina Laboratory Services, Illumina
Classification: Benign for Acrodermatitis continua suppurativa of Hallopeau. Last evaluated: 2018-01-12. Review status: criteria provided, single submitter. Criteria: ICSL Variant Classification Criteria 13 December 2019. Collection method: clinical testing. Allele origin: germline.
Comment: This variant was observed in the ICSL laboratory as part of a predisposition screen in an ostensibly healthy population. It had not been previously curated by ICSL or reported in the Human Gene Mutation Database (HGMD: prior to June 1st, 2018), and was therefore a candidate for classification through an automated scoring system. Utilizing variant allele frequency, disease prevalence and penetrance estimates, and inheritance mode, an automated score was calculated to assess if this variant is too frequent to cause the disease. Based on the score and internal cut-off values, a variant classified as benign is not then subjected to further curation. The score for this variant resulted in a classification of benign for this disease.

Breakthrough Genomics
Classification: Benign. Review status: criteria provided, single submitter. Criteria: ACMG Guidelines, 2015. Collection method: not provided. Allele origin: germline. Inheritance: Autosomal recessive inheritance. Affected: yes.